The following is an entry in ClinVar:

NM_000264.5(PTCH1):c.360C>A (p.Asn120Lys)

Gene: PTCH1 (patched 1; minus strand). Cytogenetic location: 9q22.32.
Variant type: single nucleotide variant.
Coding change: c.360C>A on transcript NM_000264.5 (MANE Select); coding-DNA position 360, C replaced by A.
Protein change: p.Asn120Lys; replaces asparagine 120 with lysine.
Molecular consequence: missense variant. On other transcripts: 5 prime UTR variant (4), non-coding transcript variant (1).
Genome position (GRCh38, 1-based): chr9:95,506,441, G>T on the plus strand (C>A on the coding strand, the complement: PTCH1 is on the minus strand). VCF-style: chr9-95506441-G-T. GRCh37 (hg19) VCF-style: chr9-98268723-G-T.
Other names: c.162C>A, p.Asn54Lys (NM_001083602.3, NM_001354919.2); c.357C>A, p.Asn119Lys (NM_001083603.3); c.-94C>A (NM_001083604.3, NM_001083605.3, NM_001083606.3 and 1 more transcripts); c.360C>A, p.Asn120Lys (NM_001354918.2); short protein forms N54K, N119K, N120K.
Identifiers: ClinVar variation 1469087 (VCV001469087.8), dbSNP rs1327411160, ClinGen allele CA374120203.

ClinVar aggregate classification (germline): Uncertain significance. Review status: criteria provided, multiple submitters, no conflicts (2 of 4 stars). 2 submissions from 2 submitters: Uncertain significance (2). Last evaluated 2025-05-30.

Conditions:
Hereditary cancer-predisposing syndrome. Also called: Neoplastic Syndromes, Hereditary; Hereditary Cancer Syndrome; Tumor predisposition; Hereditary neoplastic syndrome. Identifiers: Orphanet 140162, MedGen C0027672, MeSH D009386, MONDO:0015356.
Gorlin syndrome. Also called: Nevoid Basal Cell Carcinoma Syndrome; Basal cell nevus syndrome. Identifiers: Orphanet 377, MedGen C0004779, MONDO:0007187.

Submissions (2):

Labcorp Genetics (formerly Invitae), Labcorp
Classification: Uncertain significance for Gorlin syndrome. Last evaluated: 2025-05-30. Review status: criteria provided, single submitter. Criteria: Invitae Variant Classification Sherloc (09022015). Collection method: clinical testing. Allele origin: germline.
Comment: This sequence change replaces asparagine, which is neutral and polar, with lysine, which is basic and polar, at codon 120 of the PTCH1 protein (p.Asn120Lys). This variant is not present in population databases (gnomAD no frequency). This variant has not been reported in the literature in individuals affected with PTCH1-related conditions. ClinVar contains an entry for this variant (Variation ID: 1469087). Invitae Evidence Modeling of protein sequence and biophysical properties (such as structural, functional, and spatial information, amino acid conservation, physicochemical variation, residue mobility, and thermodynamic stability) indicates that this missense variant is not expected to disrupt PTCH1 protein function with a negative predictive value of 95%. In summary, the available evidence is currently insufficient to determine the role of this variant in disease. Therefore, it has been classified as a Variant of Uncertain Significance.

Ambry Genetics
Classification: Uncertain significance for Hereditary cancer-predisposing syndrome. Last evaluated: 2022-07-11. Review status: criteria provided, single submitter. Criteria: Ambry Variant Classification Scheme 2023. Collection method: clinical testing. Allele origin: germline.
Comment: The p.N120K variant (also known as c.360C>A), located in coding exon 2 of the PTCH1 gene, results from a C to A substitution at nucleotide position 360. The asparagine at codon 120 is replaced by lysine, an amino acid with similar properties. This amino acid position is conserved. In addition, this alteration is predicted to be tolerated by in silico analysis. Since supporting evidence is limited at this time, the clinical significance of this alteration remains unclear.